The following is an entry in ClinVar:

ClinVar aggregate classification (germline): Likely benign (0 of 4 stars; one submission).

Conditions:
PPP2R5B-related disorder. Also called: PPP2R5B-related condition.

gnomAD v4.1: 33 of 1,611,990 alleles (0.002%); highest among the groups gnomAD compares: African/African-American, 0.035%; no homozygotes.

Submission:

PreventionGenetics, part of Exact Sciences
Classification: Likely benign for PPP2R5B-related condition. Last evaluated: 2024-04-04. Review status: no assertion criteria provided. Collection method: clinical testing. Allele origin: germline.
Comment: This variant is classified as likely benign based on ACMG/AMP sequence variant interpretation guidelines (Richards et al. 2015 PMID: 25741868, with internal and published modifications).

NM_006244.4(PPP2R5B):c.141C>A (p.Ser47=)

Gene: PPP2R5B (protein phosphatase 2 regulatory subunit B'beta; plus strand). Cytogenetic location: 11q13.1.
Variant type: single nucleotide variant.
Coding change: c.141C>A on transcript NM_006244.4 (MANE Select); coding-DNA position 141, C replaced by A.
Protein change: p.Ser47=; no amino-acid change (serine 47 retained).
Molecular consequence: synonymous variant.
Genome position (GRCh38, 1-based): chr11:64,925,875, C>A. VCF-style: chr11-64925875-C-A. GRCh37 (hg19) VCF-style: chr11-64693347-C-A.
Identifiers: ClinVar variation 3351488 (VCV003351488.1).